The following is an entry in ClinVar:

NM_000215.4(JAK3):c.184+5G>A

Gene: JAK3 (Janus kinase 3; minus strand). Cytogenetic location: 19p13.11.
Variant type: single nucleotide variant.
Coding change: c.184+5G>A on transcript NM_000215.4 (MANE Select); 5 bases into the intron after coding-DNA position 184, G replaced by A.
Molecular consequence: intron variant.
Genome position (GRCh38, 1-based): chr19:17,844,229, C>T on the plus strand (G>A on the coding strand, the complement: JAK3 is on the minus strand). VCF-style: chr19-17844229-C-T. GRCh37 (hg19) VCF-style: chr19-17955038-C-T.
Identifiers: ClinVar variation 2432945 (VCV002432945.6), dbSNP rs2514581990, ClinGen allele CA2580096736.

ClinVar aggregate classification (germline): Uncertain significance. Review status: criteria provided, multiple submitters, no conflicts (2 of 4 stars). 2 submissions from 2 submitters: Uncertain significance (2). Last evaluated 2023-01-09.

Conditions:
T-B+ severe combined immunodeficiency due to JAK3 deficiency. Also called: SCID, autosomal recessive, T-negative/B-positive type; SCID, T CELL-NEGATIVE, B CELL-POSITIVE, NK CELL-NEGATIVE. Identifiers: Orphanet 35078, MedGen C1833275, MONDO:0010938, OMIM 600802.

Submissions (2):

Labcorp Genetics (formerly Invitae), Labcorp
Classification: Uncertain significance for T-B+ severe combined immunodeficiency due to JAK3 deficiency. Last evaluated: 2023-01-09. Review status: criteria provided, single submitter. Criteria: Invitae Variant Classification Sherloc (09022015). Collection method: clinical testing. Allele origin: germline.
Comment: In summary, the available evidence is currently insufficient to determine the role of this variant in disease. Therefore, it has been classified as a Variant of Uncertain Significance. Variants that disrupt the consensus splice site are a relatively common cause of aberrant splicing (PMID: 17576681, 9536098). Algorithms developed to predict the effect of sequence changes on RNA splicing suggest that this variant is not likely to affect RNA splicing. This variant has been observed in individual(s) with severe combined immunodeficiency (Invitae). In at least one individual the data is consistent with being in trans (on the opposite chromosome) from a pathogenic variant. This variant is not present in population databases (gnomAD no frequency). This sequence change falls in intron 2 of the JAK3 gene. It does not directly change the encoded amino acid sequence of the JAK3 protein. It affects a nucleotide within the consensus splice site.

Revvity Omics, Revvity
Classification: Uncertain significance for T-B+ severe combined immunodeficiency due to JAK3 deficiency. Last evaluated: 2022-08-31. Review status: criteria provided, single submitter. Criteria: ACMG Guidelines, 2015. Collection method: clinical testing. Allele origin: germline.

Literature cited by the submitters: PubMed 17576681 (cited by Labcorp Genetics (formerly Invitae), Labcorp); PubMed 9536098 (cited by Labcorp Genetics (formerly Invitae), Labcorp).